The following is an entry in ClinVar:

NM_053025.4(MYLK):c.2435A>G (p.Gln812Arg)

Gene: MYLK (myosin light chain kinase; minus strand). Cytogenetic location: 3q21.1.
Variant type: single nucleotide variant.
Coding change: c.2435A>G on transcript NM_053025.4 (MANE Select); coding-DNA position 2435, A replaced by G.
Protein change: p.Gln812Arg; replaces glutamine 812 with arginine.
Molecular consequence: missense variant.
Genome position (GRCh38, 1-based): chr3:123,701,465, T>C on the plus strand (A>G on the coding strand, the complement: MYLK is on the minus strand). VCF-style: chr3-123701465-T-C. GRCh37 (hg19) VCF-style: chr3-123420312-T-C.
Other names: c.2435A>G (NM_053025.3); c.1907A>G, p.Gln636Arg (NM_001321309.2); c.2228A>G, p.Gln743Arg (NM_053026.4, NM_053028.4); c.2435A>G, p.Gln812Arg (NM_053027.4); short protein forms Q743R, Q636R, Q812R.
Identifiers: ClinVar variation 2067158 (VCV002067158.3), dbSNP rs773724805, ClinGen allele CA068555.

ClinVar aggregate classification (germline): Uncertain significance. Review status: criteria provided, multiple submitters, no conflicts (2 of 4 stars). 2 submissions from 2 submitters: Uncertain significance (2). Last evaluated 2025-09-03.

Conditions:
Familial thoracic aortic aneurysm and aortic dissection (TAAD). Also called: Thoracic aortic aneurysms and dissections. Identifiers: Orphanet 91387, MedGen C4707243, MONDO:0019625.
Aortic aneurysm, familial thoracic 7 (AAT7). Also called: AORTIC DISSECTION, FAMILIAL, WITH OR WITHOUT AORTIC ANEURYSM. Identifiers: MedGen C3151077, MONDO:0013418, OMIM 613780.

Allele frequency attached by ClinVar (database versions not stated): ExAC 0.00001; TOPMed 0.00001.
gnomAD v4.1: 32 of 1,614,090 alleles (0.002%); highest among the groups gnomAD compares: Non-Finnish European, 0.0027%; no homozygotes.

Submissions (2):

Labcorp Genetics (formerly Invitae), Labcorp
Classification: Uncertain significance for Aortic aneurysm, familial thoracic 7. Last evaluated: 2025-09-03. Review status: criteria provided, single submitter. Criteria: Invitae Variant Classification Sherloc (09022015). Collection method: clinical testing. Allele origin: germline.
Comment: This sequence change replaces glutamine, which is neutral and polar, with arginine, which is basic and polar, at codon 812 of the MYLK protein (p.Gln812Arg). This variant is present in population databases (rs773724805, gnomAD 0.002%). This variant has not been reported in the literature in individuals affected with MYLK-related conditions. ClinVar contains an entry for this variant (Variation ID: 2067158). Invitae Evidence Modeling of protein sequence and biophysical properties (such as structural, functional, and spatial information, amino acid conservation, physicochemical variation, residue mobility, and thermodynamic stability) indicates that this missense variant is not expected to disrupt MYLK protein function with a negative predictive value of 80%. In summary, the available evidence is currently insufficient to determine the role of this variant in disease. Therefore, it has been classified as a Variant of Uncertain Significance.

Ambry Genetics
Classification: Uncertain significance for Familial thoracic aortic aneurysm and aortic dissection. Last evaluated: 2024-05-28. Review status: criteria provided, single submitter. Criteria: Ambry Variant Classification Scheme 2023. Collection method: clinical testing. Allele origin: germline.